The following is an entry in ClinVar:

NM_001079802.2(FKTN):c.506A>G (p.His169Arg)

Gene: FKTN (fukutin; plus strand). Cytogenetic location: 9q31.2.
Variant type: single nucleotide variant.
Coding change: c.506A>G on transcript NM_001079802.2 (MANE Select); coding-DNA position 506, A replaced by G.
Protein change: p.His169Arg; replaces histidine 169 with arginine.
Molecular consequence: missense variant. On other transcripts: non-coding transcript variant (2).
Genome position (GRCh38, 1-based): chr9:105,604,351, A>G. VCF-style: chr9-105604351-A-G. GRCh37 (hg19) VCF-style: chr9-108366632-A-G.
Other names: c.506A>G, p.His169Arg (NM_001198963.2, NM_001351496.2, NM_001351498.2 and 1 more transcripts); c.437A>G, p.His146Arg (NM_001351497.2); c.110A>G, p.His37Arg (NM_001351499.2, NM_001351500.2, NM_001351501.2 and 1 more transcripts); short protein forms H37R, H146R, H169R.
Identifiers: ClinVar variation 1745140 (VCV001745140.4), dbSNP rs1828466393, ClinGen allele CA374332139.

ClinVar aggregate classification (germline): Uncertain significance. Review status: criteria provided, multiple submitters, no conflicts (2 of 4 stars). 2 submissions from 2 submitters: Uncertain significance (2). Last evaluated 2019-12-13.

Conditions:
Cardiovascular phenotype. Identifiers: MedGen CN230736.
Muscular dystrophy-dystroglycanopathy (congenital without impaired intellectual development), type B, 4. Also called: Muscular dystrophy-dystroglycanopathy (congenital without intellectual disability), type B4; MUSCULAR DYSTROPHY, CONGENITAL, FKTN-RELATED. Identifiers: MedGen C2751052, MONDO:0013156, OMIM 613152.
Autosomal recessive limb-girdle muscular dystrophy type 2M. Also called: MUSCULAR DYSTROPHY-DYSTROGLYCANOPATHY (LIMB-GIRDLE), TYPE C, 4; MUSCULAR DYSTROPHY, LIMB-GIRDLE, TYPE 2M. Identifiers: Orphanet 206554, MedGen C1969040, MONDO:0012699, OMIM 611588.
Muscular dystrophy-dystroglycanopathy (congenital with brain and eye anomalies), type A, 4 (MDDGA4). Also called: Congenital muscular dystrophy-dystroglycanopathy with brain and eye anomalies, type A4; WALKER-WARBURG SYNDROME OR MUSCLE-EYE-BRAIN DISEASE, FKTN-RELATED; Walker-Warburg Syndrome, Fktn-Related; Muscular dystrophy, congenital progressive, with mental retardation; Muscular dystrophy, congenital, with central nervous system involvement; Cerebromuscular dystrophy, Fukuyama type. Identifiers: Orphanet 272, Orphanet 588, Orphanet 899, MedGen C0410174, MONDO:0009678, OMIM 253800.
Dilated cardiomyopathy 1X (CMD1X). Also called: CARDIOMYOPATHY, DILATED, WITH MILD OR NO PROXIMAL MUSCLE WEAKNESS; FKTN-Related Dilated Cardiomyopathy. Identifiers: Orphanet 154, MedGen C1969024, MONDO:0012704, OMIM 611615.

Allele frequency attached by ClinVar (database versions not stated): gnomAD exomes 0.00001; TOPMed below 0.00001; gnomAD 0.00001.
gnomAD v4.1: 4 of 1,614,060 alleles (0.00025%); highest among the groups gnomAD compares: Non-Finnish European, 0.00034%; no homozygotes.

Submissions (2):

Ambry Genetics
Classification: Uncertain significance for Cardiovascular phenotype. Last evaluated: 2019-12-13. Review status: criteria provided, single submitter. Criteria: Ambry Variant Classification Scheme 2023. Collection method: clinical testing. Allele origin: germline.
Comment: The p.H169R variant (also known as c.506A>G), located in coding exon 4 of the FKTN gene, results from an A to G substitution at nucleotide position 506. The histidine at codon 169 is replaced by arginine, an amino acid with highly similar properties. This amino acid position is highly conserved in available vertebrate species; however, arginine is the reference amino acid in other vertebrate species. In addition, the in silico prediction for this alteration is inconclusive. Since supporting evidence is limited at this time, the clinical significance of this alteration remains unclear.

Center for Genomics, Ann and Robert H. Lurie Children's Hospital of Chicago
Classification: Uncertain significance for Autosomal recessive limb-girdle muscular dystrophy type 2M; Muscular dystrophy-dystroglycanopathy (congenital with brain and eye anomalies), type A, 4; Dilated cardiomyopathy 1X; Muscular dystrophy-dystroglycanopathy (congenital without impaired intellectual development), type B, 4. Review status: criteria provided, single submitter. Criteria: ACMG Guidelines, 2015. Collection method: clinical testing. Allele origin: germline.
Comment: FKTN NM_001079802.1 exon 6 p.His169Arg (c.506A>G): This variant has not been reported in the literature and is not present in large control databases. Evolutionary conservation and computational predictive tools for this variant are unclear. In summary, data on this variant is insufficient for disease classification. Therefore, the clinical significance of this variant is uncertain.